The following is an entry in ClinVar:

NM_014762.4(DHCR24):c.52G>T (p.Val18Leu)

Gene: DHCR24 (24-dehydrocholesterol reductase; minus strand). Cytogenetic location: 1p32.3.
Variant type: single nucleotide variant.
Coding change: c.52G>T on transcript NM_014762.4 (MANE Select); coding-DNA position 52, G replaced by T.
Protein change: p.Val18Leu; replaces valine 18 with leucine.
Molecular consequence: missense variant.
Genome position (GRCh38, 1-based): chr1:54,887,068, C>A on the plus strand (G>T on the coding strand, the complement: DHCR24 is on the minus strand). VCF-style: chr1-54887068-C-A. GRCh37 (hg19) VCF-style: chr1-55352741-C-A.
Other names: short protein forms V18L.
Identifiers: ClinVar variation 1469787 (VCV001469787.6), dbSNP rs776065385, ClinGen allele CA340466954.

ClinVar aggregate classification (germline): Uncertain significance (1 of 4 stars; one submission).

Submission:

Labcorp Genetics (formerly Invitae), Labcorp
Classification: Uncertain significance. Last evaluated: 2021-10-11. Review status: criteria provided, single submitter. Criteria: Invitae Variant Classification Sherloc (09022015). Collection method: clinical testing. Allele origin: germline.
Comment: In summary, the available evidence is currently insufficient to determine the role of this variant in disease. Therefore, it has been classified as a Variant of Uncertain Significance. Algorithms developed to predict the effect of missense changes on protein structure and function (SIFT, PolyPhen-2, Align-GVGD) all suggest that this variant is likely to be tolerated. This sequence change replaces valine with leucine at codon 18 of the DHCR24 protein (p.Val18Leu). The valine residue is moderately conserved and there is a small physicochemical difference between valine and leucine. This variant is not present in population databases (ExAC no frequency). This variant has not been reported in the literature in individuals affected with DHCR24-related conditions.